The following is an entry in ClinVar:

NM_199355.4(ADAMTS18):c.654del (p.Gly219fs)

Gene: ADAMTS18 (ADAM metallopeptidase with thrombospondin type 1 motif 18; minus strand). Cytogenetic location: 16q23.1.
Variant type: Deletion.
Coding change: c.654del on transcript NM_199355.4 (MANE Select); coding-DNA position 654, one base deleted (C; older notation c.654delC).
Protein change: p.Gly219fs; shifts the reading frame from glycine 219.
Molecular consequence: frameshift variant.
Genome position (GRCh38, 1-based): chr16:77,367,565, G deleted on the plus strand (C on the coding strand, the reverse complement: ADAMTS18 is on the minus strand); the first of 4 consecutive G bases (chr16:77,367,565-77,367,568); deleting any one gives the same sequence. VCF-style (leftmost placement, unchanged base first): chr16-77367564-CG-C. GRCh37 (hg19) VCF-style: chr16-77401461-CG-C.
Other names: c.134del, p.Pro45fs (NM_001326358.2); short protein forms P45fs, G219fs.
Identifiers: ClinVar variation 1434732 (VCV001434732.6), dbSNP rs764863191, ClinGen allele CA8181608.

ClinVar aggregate classification (germline): Pathogenic (1 of 4 stars; one submission).

Submission:

Labcorp Genetics (formerly Invitae), Labcorp
Classification: Pathogenic. Last evaluated: 2022-10-04. Review status: criteria provided, single submitter. Criteria: Invitae Variant Classification Sherloc (09022015). Collection method: clinical testing. Allele origin: germline.
Comment: This variant has not been reported in the literature in individuals affected with ADAMTS18-related conditions. This variant is present in population databases (rs764863191, gnomAD 0.0009%). This sequence change creates a premature translational stop signal (p.Gly219Alafs*53) in the ADAMTS18 gene. It is expected to result in an absent or disrupted protein product. Loss-of-function variants in ADAMTS18 are known to be pathogenic (PMID: 23818446, 24874986). ClinVar contains an entry for this variant (Variation ID: 1434732). For these reasons, this variant has been classified as Pathogenic.

Literature cited by the submitters: PubMed 23818446; PubMed 24874986.